The following is an entry in ClinVar:

NM_001277115.2(DNAH11):c.12407G>A (p.Arg4136His)

Gene: DNAH11 (dynein axonemal heavy chain 11; plus strand). Cytogenetic location: 7p15.3.
Variant type: single nucleotide variant.
Coding change: c.12407G>A on transcript NM_001277115.2 (MANE Select); coding-DNA position 12407, G replaced by A.
Protein change: p.Arg4136His; replaces arginine 4136 with histidine.
Molecular consequence: missense variant.
Genome position (GRCh38, 1-based): chr7:21,884,310, G>A. VCF-style: chr7-21884310-G-A. GRCh37 (hg19) VCF-style: chr7-21923928-G-A.
Other names: short protein forms R4136H.
Identifiers: ClinVar variation 359687 (VCV000359687.12), dbSNP rs372603233, ClinGen allele CA4183077.

ClinVar aggregate classification (germline): Conflicting classifications of pathogenicity. Review status: criteria provided, conflicting classifications (1 of 4 stars). 3 submissions from 3 submitters: Uncertain significance (2); Benign (1). Last evaluated 2025-12-24.

Conditions:
Primary ciliary dyskinesia. Also called: Ciliary dyskinesia. Identifiers: Orphanet 244, MedGen C0008780, MONDO:0016575, HP:0012265.

Allele frequency attached by ClinVar (database versions not stated): gnomAD 0.00016; TOPMed 0.00019; ExAC 0.00023; ESP Exome Variant Server 0.00031.
gnomAD v4.1: 193 of 1,609,472 alleles (0.012%); highest among the groups gnomAD compares: Admixed American, 0.032%; no homozygotes.

Submissions (3):

Labcorp Genetics (formerly Invitae), Labcorp
Classification: Benign for Primary ciliary dyskinesia. Last evaluated: 2025-12-24. Review status: criteria provided, single submitter. Criteria: Invitae Variant Classification Sherloc (09022015). Collection method: clinical testing. Allele origin: germline.

Blueprint Genetics
Classification: Uncertain significance. Last evaluated: 2024-03-04. Review status: criteria provided, single submitter. Criteria: ACMG Guidelines, 2015. Collection method: clinical testing. Allele origin: germline.

GeneDx
Classification: Uncertain significance. Last evaluated: 2023-07-03. Review status: criteria provided, single submitter. Criteria: GeneDx Variant Classification Process June 2021. Collection method: clinical testing. Allele origin: germline. Affected: yes.
Comment: In silico analysis supports that this missense variant has a deleterious effect on protein structure/function; Has not been previously published as pathogenic or benign to our knowledge